The following is an entry in ClinVar:

NM_000368.5(TSC1):c.664-10A>C

Gene: TSC1 (TSC complex subunit 1; minus strand). Cytogenetic location: 9q34.13.
Variant type: single nucleotide variant.
Coding change: c.664-10A>C on transcript NM_000368.5 (MANE Select); 10 bases into the intron before coding-DNA position 664, A replaced by C.
Molecular consequence: intron variant.
Genome position (GRCh38, 1-based): chr9:132,921,446, T>G on the plus strand (A>C on the coding strand, the complement: TSC1 is on the minus strand). VCF-style: chr9-132921446-T-G. GRCh37 (hg19) VCF-style: chr9-135796833-T-G.
Other names: c.301-10A>C (NM_001362177.2); c.511-10A>C (NM_001162427.2); c.664-10A>C (NM_001162426.2).
Identifiers: ClinVar variation 1678780 (VCV001678780.3), dbSNP rs1588345946, ClinGen allele CA1882421766.
Genomic context (GRCh38, chr9:132,921,446, plus strand): 5'-CTTGGATCCAGTCACTAATTCCGGATGAATTCGCACATGCTCCATCATTGGCTAGAAGAG[T>G]TGGGTTGACAAATTATAAAGGGCTGAATGTTTGTGGAACATCCAAATGATGGAATATTAG-3'

ClinVar aggregate classification (germline): Likely benign. Review status: criteria provided, multiple submitters, no conflicts (2 of 4 stars). 2 submissions from 2 submitters: Likely benign (2). Last evaluated 2025-04-18.

Conditions:
Tuberous sclerosis 1 (TSC1). Identifiers: Orphanet 805, MedGen C1854465, MONDO:0008612, OMIM 191100.

Allele frequency attached by ClinVar (database versions not stated): gnomAD 0.00001.
gnomAD v4.1: 1 of 1,613,976 alleles (0.000062%); highest among the groups gnomAD compares: Non-Finnish European, 0.000085%; no homozygotes.

Submissions (2):

Labcorp Genetics (formerly Invitae), Labcorp
Classification: Likely benign for Tuberous sclerosis 1. Last evaluated: 2025-04-18. Review status: criteria provided, single submitter. Criteria: Invitae Variant Classification Sherloc (09022015). Collection method: clinical testing. Allele origin: germline.

GeneDx
Classification: Likely benign. Last evaluated: 2020-03-05. Review status: criteria provided, single submitter. Criteria: GeneDx Variant Classification Process June 2021. Collection method: clinical testing. Allele origin: germline. Affected: yes.
Comment: See Variant Classification Assertion Criteria.